The following is an entry in ClinVar:

ClinVar aggregate classification (germline): Uncertain significance (1 of 4 stars; one submission).

Submission:

GeneDx
Classification: Uncertain significance. Last evaluated: 2026-04-23. Review status: criteria provided, single submitter. Criteria: GeneDx Variant Classification Process June 2021. Collection method: clinical testing. Allele origin: germline.
Comment: Identified in a cohort of patients with disorders of sex development and classified as a variant of uncertain significance in published literature (PMID: 27899157); Not observed at significant frequency in large population cohorts (gnomAD); In silico analysis supports that this missense variant has a deleterious effect on protein structure/function; This variant is associated with the following publications: (PMID: 27899157)

NM_000141.5(FGFR2):c.1508T>C (p.Ile503Thr)

Gene: FGFR2 (fibroblast growth factor receptor 2; minus strand). Cytogenetic location: 10q26.13.
Variant type: single nucleotide variant.
Coding change: c.1508T>C on transcript NM_000141.5 (MANE Select); coding-DNA position 1508, T replaced by C.
Protein change: p.Ile503Thr; replaces isoleucine 503 with threonine.
Molecular consequence: missense variant. On other transcripts: non-coding transcript variant (1).
Genome position (GRCh38, 1-based): chr10:121,500,879, A>G on the plus strand (T>C on the coding strand, the complement: FGFR2 is on the minus strand). VCF-style: chr10-121500879-A-G. GRCh37 (hg19) VCF-style: chr10-123260393-A-G.
Other names: c.1511T>C, p.Ile504Thr (NM_001144913.1, NM_022970.4); c.1172T>C, p.Ile391Thr (NM_001144914.1); c.1241T>C, p.Ile414Thr (NM_001144915.2, NM_023029.3); c.1163T>C, p.Ile388Thr (NM_001144916.2, NM_001441090.1); c.1160T>C, p.Ile387Thr (NM_001144917.2); c.1157T>C, p.Ile386Thr (NM_001144918.2, NM_001441091.1); c.1244T>C, p.Ile415Thr (NM_001144919.2); c.824T>C, p.Ile275Thr (NM_001320654.2); and 4 more; short protein forms I275T, I386T, I387T, I388T, I391T, I412T, I413T, I414T.
Identifiers: ClinVar variation 5037679 (VCV005037679.1).